The following is an entry in ClinVar:

NM_032578.4(MYPN):c.1624G>A (p.Gly542Arg)

Gene: MYPN (myopalladin; plus strand). Cytogenetic location: 10q21.3.
Variant type: single nucleotide variant.
Coding change: c.1624G>A on transcript NM_032578.4 (MANE Select); coding-DNA position 1624, G replaced by A.
Protein change: p.Gly542Arg; replaces glycine 542 with arginine.
Molecular consequence: missense variant. On other transcripts: non-coding transcript variant (2).
Genome position (GRCh38, 1-based): chr10:68,166,317, G>A. VCF-style: chr10-68166317-G-A. GRCh37 (hg19) VCF-style: chr10-69926074-G-A.
Other names: c.1624G>A, p.Gly542Arg (NM_001256267.2); c.742G>A, p.Gly248Arg (NM_001256268.2); short protein forms G248R, G542R.
Identifiers: ClinVar variation 1037336 (VCV001037336.6), dbSNP rs768390862, ClinGen allele CA5522631.

ClinVar aggregate classification (germline): Uncertain significance (1 of 4 stars; one submission).

Conditions:
Dilated cardiomyopathy 1KK (CMD1KK). Identifiers: Orphanet 154, Orphanet 75249, MedGen C3714995, MONDO:0014100, OMIM 615248.

Allele frequency attached by ClinVar (database versions not stated): gnomAD exomes below 0.00001 and 0.00001; gnomAD 0.00001; TOPMed 0.00001; ExAC 0.00002.
gnomAD v4.1: 8 of 1,613,858 alleles (0.0005%); highest among the groups gnomAD compares: African/African-American, 0.0013%; no homozygotes.

Submission:

Labcorp Genetics (formerly Invitae), Labcorp
Classification: Uncertain significance for Dilated cardiomyopathy 1KK. Last evaluated: 2025-12-17. Review status: criteria provided, single submitter. Criteria: Invitae Variant Classification Sherloc (09022015). Collection method: clinical testing. Allele origin: germline.
Comment: This sequence change replaces glycine, which is neutral and non-polar, with arginine, which is basic and polar, at codon 542 of the MYPN protein (p.Gly542Arg). This variant is present in population databases (rs768390862, gnomAD 0.002%). This missense change has been observed in individual(s) with left ventricular hypertrabeculation (PMID: 28798025). ClinVar contains an entry for this variant (Variation ID: 1037336). An algorithm developed to predict the effect of missense changes on protein structure and function (PolyPhen-2) suggests that this variant is likely to be tolerated. In summary, the available evidence is currently insufficient to determine the role of this variant in disease. Therefore, it has been classified as a Variant of Uncertain Significance.

Literature cited by the submitters: PubMed 28798025.